The following is an entry in ClinVar:

NM_001330574.2(ZNF711):c.1243del (p.Thr415fs)

Gene: ZNF711 (ZFX family zinc finger ZNF711; plus strand). Cytogenetic location: Xq21.1.
Variant type: Deletion.
Coding change: c.1243del on transcript NM_001330574.2 (MANE Select); coding-DNA position 1243, one base deleted (A; older notation c.1243delA).
Protein change: p.Thr415fs; shifts the reading frame from threonine 415.
Molecular consequence: frameshift variant.
Genome position (GRCh38, 1-based): chrX:85,270,143, A deleted; the last of 3 consecutive A bases (chrX:85,270,141-85,270,143); deleting any one gives the same sequence. VCF-style (leftmost placement, unchanged base first): chrX-85270140-CA-C. GRCh37 (hg19) VCF-style: chrX-84525146-CA-C.
Other names: c.1243del, p.Thr415fs (NM_001375431.1, NM_001375432.1, NM_001375433.1); c.1105del, p.Thr369fs (NM_001375434.1, NM_001375435.1, NM_001375436.1 and 2 more transcripts); short protein forms T369fs, T415fs.
Identifiers: ClinVar variation 4076363 (VCV004076363.1).

ClinVar aggregate classification (germline): Likely pathogenic (1 of 4 stars; one submission).

Conditions:
Intellectual developmental disorder, X-linked 97. Also called: Intellectual disability, X-linked 97. Identifiers: Orphanet 777, MedGen C2749020, MONDO:0010430, OMIM 300803.

Submission:

Laboratorio de Genetica e Diagnostico Molecular, Hospital Israelita Albert Einstein
Classification: Likely pathogenic for Intellectual developmental disorder, X-linked 97. Last evaluated: 2023-10-11. Review status: criteria provided, single submitter. Criteria: ACMG Guidelines, 2015. Collection method: clinical testing. Allele origin: germline. Affected: yes.
Comment: ACMG classification criteria: PVS1 strong, PM2 moderate